The following is an entry in ClinVar:

NM_002691.4(POLD1):c.2628C>G (p.Ile876Met)

Gene: POLD1 (DNA polymerase delta 1, catalytic subunit; plus strand). Cytogenetic location: 19q13.33.
Variant type: single nucleotide variant.
Coding change: c.2628C>G on transcript NM_002691.4 (MANE Select); coding-DNA position 2628, C replaced by G.
Protein change: p.Ile876Met; replaces isoleucine 876 with methionine.
Molecular consequence: missense variant. On other transcripts: non-coding transcript variant (1).
Genome position (GRCh38, 1-based): chr19:50,415,501, C>G. VCF-style: chr19-50415501-C-G. GRCh37 (hg19) VCF-style: chr19-50918758-C-G.
Other names: c.2628C>G, p.Ile876Met (NM_001256849.1); c.2706C>G, p.Ile902Met (NM_001308632.1); short protein forms I902M, I876M.
Identifiers: ClinVar variation 3781393 (VCV003781393.1).

ClinVar aggregate classification (germline): Uncertain significance (1 of 4 stars; one submission).

Conditions:
Hereditary cancer-predisposing syndrome. Also called: Neoplastic Syndromes, Hereditary; Hereditary Cancer Syndrome; Tumor predisposition; Hereditary neoplastic syndrome. Identifiers: Orphanet 140162, MedGen C0027672, MeSH D009386, MONDO:0015356.

Submission:

Ambry Genetics
Classification: Uncertain significance for Hereditary cancer-predisposing syndrome. Last evaluated: 2025-01-23. Review status: criteria provided, single submitter. Criteria: Ambry Variant Classification Scheme 2023. Collection method: clinical testing. Allele origin: germline.
Comment: The p.I876M variant (also known as c.2628C>G), located in coding exon 20 of the POLD1 gene, results from a C to G substitution at nucleotide position 2628. The isoleucine at codon 876 is replaced by methionine, an amino acid with highly similar properties. This amino acid position is conserved. In addition, this alteration is predicted to be tolerated by in silico analysis. Based on the available evidence, the clinical significance of this variant remains unclear.